The following is an entry in ClinVar:

NM_139076.3(ABRAXAS1):c.665T>C (p.Leu222Ser)

Gene: ABRAXAS1 (abraxas 1, BRCA1 A complex subunit; minus strand). Cytogenetic location: 4q21.23.
Variant type: single nucleotide variant.
Coding change: c.665T>C on transcript NM_139076.3 (MANE Select); coding-DNA position 665, T replaced by C.
Protein change: p.Leu222Ser; replaces leucine 222 with serine.
Molecular consequence: missense variant.
Genome position (GRCh38, 1-based): chr4:83,467,470, A>G on the plus strand (T>C on the coding strand, the complement: ABRAXAS1 is on the minus strand). VCF-style: chr4-83467470-A-G. GRCh37 (hg19) VCF-style: chr4-84388623-A-G.
Other names: c.338T>C, p.Leu113Ser (NM_001345962.2); short protein forms L113S, L222S.
Identifiers: ClinVar variation 4844793 (VCV004844793.1).

ClinVar aggregate classification (germline): Uncertain significance (1 of 4 stars; one submission).

Submission:

Ambry Genetics
Classification: Uncertain significance. Last evaluated: 2026-02-13. Review status: criteria provided, single submitter. Criteria: Ambry Variant Classification Scheme 2023. Collection method: clinical testing. Allele origin: germline.
Comment: The p.L222S variant (also known as c.665T>C), located in coding exon 7 of the FAM175A gene, results from a T to C substitution at nucleotide position 665. The leucine at codon 222 is replaced by serine, an amino acid with dissimilar properties. This amino acid position is conserved. In addition, the in silico prediction for this alteration is inconclusive. Based on the available evidence, the clinical significance of this variant remains unclear.